The following is an entry in ClinVar:

ClinVar aggregate classification (germline): Likely pathogenic (1 of 4 stars; one submission).

Conditions:
AKR1D1-related disorder. Also called: AKR1D1-related condition.

Submission:

PreventionGenetics, part of Exact Sciences
Classification: Likely pathogenic for AKR1D1-related condition. Last evaluated: 2026-05-11. Review status: criteria provided, single submitter. Criteria: ACMG Guidelines, 2015. Collection method: clinical testing. Allele origin: germline.
Comment: The AKR1D1 c.628C>T variant is predicted to result in premature protein termination (p.Gln210*). To our knowledge, this variant has not been reported in the literature or in a large population database (gnomAD), indicating this variant is rare. Nonsense variants in AKR1D1 are expected to be pathogenic. This variant is interpreted as likely pathogenic.

NM_005989.4(AKR1D1):c.628C>T (p.Gln210Ter)

Gene: AKR1D1 (aldo-keto reductase family 1 member D1; plus strand). Cytogenetic location: 7q33.
Variant type: single nucleotide variant.
Coding change: c.628C>T on transcript NM_005989.4 (MANE Select); coding-DNA position 628, C replaced by T.
Protein change: p.Gln210Ter; replaces glutamine 210 with a stop codon.
Molecular consequence: nonsense.
Genome position (GRCh38, 1-based): chr7:138,106,656, C>T. VCF-style: chr7-138106656-C-T. GRCh37 (hg19) VCF-style: chr7-137791402-C-T.
Other names: c.505C>T, p.Gln169Ter (NM_001190906.2); c.628C>T, p.Gln210Ter (NM_001190907.2); short protein forms Q169*, Q210*.
Identifiers: ClinVar variation 4991074 (VCV004991074.1).